The following is an entry in ClinVar:

NM_005676.5(RBM10):c.170_171del (p.Asp56_Tyr57insTer)

Gene: RBM10 (RNA binding motif protein 10; plus strand). Cytogenetic location: Xp11.3.
Variant type: Deletion.
Coding change: c.170_171del on transcript NM_005676.5 (MANE Select); coding-DNA positions 170 to 171, 2 bases deleted (AT; older notation c.170_171delAT).
Protein change: p.Asp56_Tyr57insTer.
Molecular consequence: nonsense.
Genome position (GRCh38, 1-based): chrX:47,169,467-47,169,468, AT deleted; deleting any 2 consecutive bases within chrX:47,169,466-47,169,468 gives the same sequence; the c. name uses the placement nearest the transcript's 3' end. VCF-style (leftmost placement, unchanged base first): chrX-47169465-CTA-C. GRCh37 (hg19) VCF-style: chrX-47028864-CTA-C.
Other names: c.170_171del, p.Asp56_Tyr57insTer (NM_001204466.2, NM_001204467.2, NM_152856.3); c.365_366del, p.Asp121_Tyr122insTer (NM_001204468.2).
Identifiers: ClinVar variation 280214 (VCV000280214.2), dbSNP rs886041461, ClinGen allele CA10603730.

ClinVar aggregate classification (germline): Pathogenic (1 of 4 stars; one submission).

Submission:

GeneDx
Classification: Pathogenic. Last evaluated: 2016-01-27. Review status: criteria provided, single submitter. Criteria: GeneDx Variant Classification (06012015). Collection method: clinical testing. Allele origin: germline. Affected: yes.
Comment: The Y57X variant in the RBM10 gene has not been reported previously as a pathogenic variant nor as a benign variant, to our knowledge. This variant is predicted to cause loss of normal protein function either through protein truncation or nonsense-mediated mRNA decay. The Y57X variant was not observed in approximately 6500 individuals of European and African American ancestry in the NHLBI Exome Sequencing Project, indicating it is not a common benign variant in these populations. We interpret Y57X as a pathogenic variant.